The following is an entry in ClinVar:

NM_001374736.1(DST):c.22299T>C (p.Phe7433=)

Gene: DST (dystonin; minus strand). Cytogenetic location: 6p12.1.
Variant type: single nucleotide variant.
Coding change: c.22299T>C on transcript NM_001374736.1 (MANE Select); coding-DNA position 22299, T replaced by C.
Protein change: p.Phe7433=; no amino-acid change (phenylalanine 7433 retained).
Molecular consequence: synonymous variant.
Genome position (GRCh38, 1-based): chr6:56,471,128, A>G on the plus strand (T>C on the coding strand, the complement: DST is on the minus strand). VCF-style: chr6-56471128-A-G. GRCh37 (hg19) VCF-style: chr6-56335926-A-G.
Other names: c.15942T>C, p.Phe5314= (NM_001144769.5); c.15528T>C, p.Phe5176= (NM_001144770.2); c.22299T>C, p.Phe7433= (NM_001374722.1); c.21339T>C, p.Phe7113= (NM_001374729.1); c.15081T>C, p.Phe5027= (NM_001374730.1); c.22326T>C, p.Phe7442= (NM_001374734.1); c.15408T>C, p.Phe5136= (NM_001386100.1, NM_183380.4); c.14430T>C, p.Phe4810= (NM_015548.5).
Identifiers: ClinVar variation 2153777 (VCV002153777.2), dbSNP rs1421673947, ClinGen allele CA450486532.
Genomic context (GRCh38, chr6:56,471,128, plus strand): 5'-AAATTGTATCAGTCATAGTCATCTGTCTTGGAACTTACTTGAGGAAAGAATTCCATCAAT[A>G]AATTCCTGCCGCGTTATTTTCCCATCCTGGTCTTTATCAATTCTCCTGAAGAAGTCCATC-3'
Protein context (NP_001361665.1, residues 7423-7443): DQDGKITRQE[Phe7433=]IDGILSSKFP

ClinVar aggregate classification (germline): Uncertain significance (1 of 4 stars; one submission).

Conditions:
Hereditary sensory and autonomic neuropathy type 6. Also called: HSAN VI; Neuropathy, hereditary sensory and autonomic, type VI. Identifiers: Orphanet 314381, MedGen C3539003, MONDO:0013839, OMIM 614653.
Epidermolysis bullosa simplex 3, localized or generalized intermediate, with BP230 deficiency (EBS3). Also called: Epidermolysis bullosa simplex due to BP230 deficiency; Epidermolysis bullosa simplex, autosomal recessive 2. Identifiers: Orphanet 412181, MedGen C3809470, MONDO:0014180, OMIM 615425.

Allele frequency attached by ClinVar (database versions not stated): TOPMed 0.00001; gnomAD 0.00002.
gnomAD v4.1: 3 of 1,611,706 alleles (0.00019%); highest among the groups gnomAD compares: Non-Finnish European, 0.00025%; no homozygotes.

Submission:

Labcorp Genetics (formerly Invitae), Labcorp
Classification: Uncertain significance for Epidermolysis bullosa simplex 3, localized or generalized intermediate, with BP230 deficiency; Hereditary sensory and autonomic neuropathy type 6. Last evaluated: 2025-02-27. Review status: criteria provided, single submitter. Criteria: Invitae Variant Classification Sherloc (09022015). Collection method: clinical testing. Allele origin: germline.
Comment: The DST gene has multiple clinically relevant transcripts. This variant occurs in alternate transcript NM_015548.4, and corresponds to NM_001723.5:c.*144389T>C in the primary transcript. This sequence change affects codon 4810 of the DST mRNA. It is a 'silent' change, meaning that it does not change the encoded amino acid sequence of the DST protein. This variant is not present in population databases (gnomAD no frequency). This variant has not been reported in the literature in individuals affected with DST-related conditions. Experimental studies and prediction algorithms are not available or were not evaluated, and the effect of this variant on mRNA splicing is currently unknown. In summary, the available evidence is currently insufficient to determine the role of this variant in disease. Therefore, it has been classified as a Variant of Uncertain Significance.